The following is an entry in ClinVar:

NM_020937.4(FANCM):c.296C>G (p.Ser99Cys)

Gene: FANCM (FA complementation group M; plus strand). Cytogenetic location: 14q21.2.
Variant type: single nucleotide variant.
Coding change: c.296C>G on transcript NM_020937.4 (MANE Select); coding-DNA position 296, C replaced by G.
Protein change: p.Ser99Cys; replaces serine 99 with cysteine.
Molecular consequence: missense variant.
Genome position (GRCh38, 1-based): chr14:45,136,327, C>G. VCF-style: chr14-45136327-C-G. GRCh37 (hg19) VCF-style: chr14-45605530-C-G.
Other names: c.296C>G, p.Ser99Cys (NM_001308133.2, NM_001308134.2); short protein forms S99C.
Identifiers: ClinVar variation 4022831 (VCV004022831.1).
Genomic context (GRCh38, chr14:45,136,327, plus strand): 5'-CGGGCGCCCTGTGGATTTACCCTACCAATTGCCCAGTGCGGGACTACCAGCTGCACATTT[C>G]CCGGGCTGCTCTGTTTTGCAATACGCTGGTGTGTCTGCCTACCGGACTGGGAAAGACCTT-3'
Protein context (NP_065988.1, residues 89-109): CPVRDYQLHI[Ser99Cys]RAALFCNTLV

ClinVar aggregate classification (germline): Uncertain significance (1 of 4 stars; one submission).

Conditions:
Inborn genetic diseases. Identifiers: MedGen C0950123, MeSH D030342.

Submission:

Ambry Genetics
Classification: Uncertain significance for Inborn genetic diseases. Last evaluated: 2025-05-31. Review status: criteria provided, single submitter. Criteria: Ambry Variant Classification Scheme 2023. Collection method: clinical testing. Allele origin: germline.
Comment: The p.S99C variant (also known as c.296C>G), located in coding exon 1 of the FANCM gene, results from a C to G substitution at nucleotide position 296. The serine at codon 99 is replaced by cysteine, an amino acid with dissimilar properties. This amino acid position is conserved. In addition, this alteration is predicted to be tolerated by in silico analysis. Based on the available evidence, the clinical significance of this variant remains unclear.